The following is an entry in ClinVar:

ClinVar aggregate classification (germline): Uncertain significance (1 of 4 stars; one submission).

Allele frequency attached by ClinVar (database versions not stated): 1000 Genomes Project 30x 0.00016; gnomAD exomes below 0.00001; gnomAD 0.00001.
gnomAD v4.1: 2 of 1,613,426 alleles (0.00012%); highest among the groups gnomAD compares: South Asian, 0.0022%; no homozygotes.

Submission:

Ambry Genetics
Classification: Uncertain significance. Last evaluated: 2025-11-11. Review status: criteria provided, single submitter. Criteria: Ambry Variant Classification Scheme 2023. Collection method: clinical testing. Allele origin: germline.
Comment: The p.M202I variant (also known as c.606G>A), located in coding exon 1 of the EGLN1 gene, results from a G to A substitution at nucleotide position 606. The methionine at codon 202 is replaced by isoleucine, an amino acid with highly similar properties. This amino acid position is highly conserved in available vertebrate species. In addition, this alteration is predicted to be tolerated by in silico analysis. The evidence for this gene-disease relationship is limited; therefore, the clinical significance of this alteration is unclear.

NM_022051.3(EGLN1):c.606G>A (p.Met202Ile)

Gene: EGLN1 (egl-9 family hypoxia inducible factor 1; minus strand). Cytogenetic location: 1q42.2.
Variant type: single nucleotide variant.
Coding change: c.606G>A on transcript NM_022051.3 (MANE Select); coding-DNA position 606, G replaced by A.
Protein change: p.Met202Ile; replaces methionine 202 with isoleucine.
Molecular consequence: missense variant.
Genome position (GRCh38, 1-based): chr1:231,421,283, C>T on the plus strand (G>A on the coding strand, the complement: EGLN1 is on the minus strand). VCF-style: chr1-231421283-C-T. GRCh37 (hg19) VCF-style: chr1-231557029-C-T.
Other names: c.606G>A, p.Met202Ile (NM_001377260.1, NM_001377261.1); short protein forms M202I.
Identifiers: ClinVar variation 2626698 (VCV002626698.3), dbSNP rs1656582337, ClinGen allele CA345236343.